The following is an entry in ClinVar:

NM_032444.4(SLX4):c.645G>C (p.Gln215His)

Gene: SLX4 (SLX4 structure-specific endonuclease subunit; minus strand). Cytogenetic location: 16p13.3.
Variant type: single nucleotide variant.
Coding change: c.645G>C on transcript NM_032444.4 (MANE Select); coding-DNA position 645, G replaced by C.
Protein change: p.Gln215His; replaces glutamine 215 with histidine.
Molecular consequence: missense variant.
Genome position (GRCh38, 1-based): chr16:3,606,589, C>G on the plus strand (G>C on the coding strand, the complement: SLX4 is on the minus strand). VCF-style: chr16-3606589-C-G. GRCh37 (hg19) VCF-style: chr16-3656590-C-G.
Other names: short protein forms Q215H.
Identifiers: ClinVar variation 1379120 (VCV001379120.6), dbSNP rs1449991903, ClinGen allele CA394533326.

ClinVar aggregate classification (germline): Uncertain significance (1 of 4 stars; one submission).

Conditions:
Fanconi anemia (FA). Also called: Fanconi's anemia. Identifiers: Orphanet 84, MedGen C0015625, MeSH D005199, MONDO:0019391.

Allele frequency attached by ClinVar (database versions not stated): gnomAD exomes below 0.00001.
gnomAD v4.1: 1 of 1,614,214 alleles (0.000062%); highest among the groups gnomAD compares: South Asian, 0.0011%; no homozygotes.

Submission:

Labcorp Genetics (formerly Invitae), Labcorp
Classification: Uncertain significance for Fanconi anemia. Last evaluated: 2025-07-09. Review status: criteria provided, single submitter. Criteria: Invitae Variant Classification Sherloc (09022015). Collection method: clinical testing. Allele origin: germline.
Comment: This sequence change replaces glutamine, which is neutral and polar, with histidine, which is basic and polar, at codon 215 of the SLX4 protein (p.Gln215His). This variant is present in population databases (no rsID available, gnomAD 0.003%). This variant has not been reported in the literature in individuals affected with SLX4-related conditions. ClinVar contains an entry for this variant (Variation ID: 1379120). An algorithm developed to predict the effect of missense changes on protein structure and function (PolyPhen-2) suggests that this variant is likely to be disruptive. In summary, the available evidence is currently insufficient to determine the role of this variant in disease. Therefore, it has been classified as a Variant of Uncertain Significance.